The following is an entry in ClinVar:

NM_000222.3(KIT):c.68-21_68-17delinsTA

Gene: KIT (KIT proto-oncogene, receptor tyrosine kinase; plus strand). Cytogenetic location: 4q12.
Variant type: Indel.
Coding change: c.68-21_68-17delinsTA on transcript NM_000222.3 (MANE Select); 21 bases into the intron before coding-DNA position 68 through 17 bases into the intron before coding-DNA position 68, CGATT replaced by TA.
Molecular consequence: intron variant.
Genome position (GRCh38, 1-based): chr4:54,695,491-54,695,495, CGATT replaced by TA. VCF-style: chr4-54695491-CGATT-TA. GRCh37 (hg19) VCF-style: chr4-55561657-CGATT-TA.
Other names: c.68-21_68-17delinsTA (NM_001385284.1, NM_001385290.1, NM_001385288.1 and 4 more transcripts).
Identifiers: ClinVar variation 4875913 (VCV004875913.1).

ClinVar aggregate classification (germline): Likely benign (1 of 4 stars; one submission).

Conditions:
Gastrointestinal stromal tumor. Also called: Gastrointestinal stromal tumor, somatic; Gastrointestinal stroma tumor. Identifiers: Orphanet 44890, MedGen C0238198, MeSH D046152, MONDO:0011719, OMIM 606764, HP:0100723.

Submission:

Myriad Genetics, Inc.
Classification: Likely benign for Gastrointestinal stromal tumor. Last evaluated: 2026-05-26. Review status: criteria provided, single submitter. Criteria: Myriad Autosomal Dominant, Autosomal Recessive and X-Linked Classification Criteria (2023). Collection method: clinical testing. Allele origin: unknown.
Comment: This variant is considered likely benign. This variant is intronic and is not expected to impact mRNA splicing.